The following is an entry in ClinVar:

NM_001148.6(ANK2):c.1070C>A (p.Pro357His)

Gene: ANK2 (ankyrin 2; plus strand). Cytogenetic location: 4q26.
Variant type: single nucleotide variant.
Coding change: c.1070C>A on transcript NM_001148.6 (MANE Select); coding-DNA position 1070, C replaced by A.
Protein change: p.Pro357His; replaces proline 357 with histidine.
Molecular consequence: missense variant.
Genome position (GRCh38, 1-based): chr4:113,255,814, C>A. VCF-style: chr4-113255814-C-A. GRCh37 (hg19) VCF-style: chr4-114176970-C-A.
Other names: c.1007C>A, p.Pro336His (NM_001127493.3, NM_001354239.2, NM_001354243.2 and 14 more transcripts); c.1070C>A, p.Pro357His (NM_001354225.2, NM_001354228.2, NM_001354232.2 and 9 more transcripts); c.1115C>A, p.Pro372His (NM_001354230.2, NM_001354231.2, NM_001354237.2 and 5 more transcripts); c.983C>A, p.Pro328His (NM_001354249.2, NM_001354271.2, NM_001354274.2 and 16 more transcripts); c.1058C>A, p.Pro353His (NM_001354269.3, NM_001386186.2, NM_001386148.2); c.1028C>A, p.Pro343His (NM_001386160.1, NM_001354261.2, NM_001386147.1); c.1121C>A, p.Pro374His (NM_001386174.1); c.1097C>A, p.Pro366His (NM_001386175.1); and 1 more; short protein forms P336H, P372H, P343H, P353H, P328H, P345H, P357H, P374H.
Identifiers: ClinVar variation 1996173 (VCV001996173.4), dbSNP rs2492664128, ClinGen allele CA357926534.

ClinVar aggregate classification (germline): Uncertain significance (1 of 4 stars; one submission).

Conditions:
Long QT syndrome (LQTS). Identifiers: MedGen C0023976, MeSH D008133, MONDO:0002442. Disease mechanism: loss of function. Inheritance: Various modes of inheritance.

Submission:

Labcorp Genetics (formerly Invitae), Labcorp
Classification: Uncertain significance for Long QT syndrome. Last evaluated: 2022-05-23. Review status: criteria provided, single submitter. Criteria: Invitae Variant Classification Sherloc (09022015). Collection method: clinical testing. Allele origin: germline.
Comment: In summary, the available evidence is currently insufficient to determine the role of this variant in disease. Therefore, it has been classified as a Variant of Uncertain Significance. Algorithms developed to predict the effect of missense changes on protein structure and function are either unavailable or do not agree on the potential impact of this missense change (SIFT: "Deleterious"; PolyPhen-2: "Probably Damaging"; Align-GVGD: "Class C0"). This variant has not been reported in the literature in individuals affected with ANK2-related conditions. This variant is not present in population databases (gnomAD no frequency). This sequence change replaces proline, which is neutral and non-polar, with histidine, which is basic and polar, at codon 357 of the ANK2 protein (p.Pro357His).